The following is an entry in ClinVar:

NM_001723.7(DST):c.4433A>C (p.His1478Pro)

Gene: DST (dystonin; minus strand). Cytogenetic location: 6p12.1.
Variant type: single nucleotide variant.
Coding change: c.4433A>C on transcript NM_001723.7 (MANE Plus Clinical); coding-DNA position 4433, A replaced by C.
Protein change: p.His1478Pro; replaces histidine 1478 with proline.
Molecular consequence: missense variant. On other transcripts: intron variant (10).
Genome position (GRCh38, 1-based): chr6:56,619,601, T>G on the plus strand (A>C on the coding strand, the complement: DST is on the minus strand). VCF-style: chr6-56619601-T-G. GRCh37 (hg19) VCF-style: chr6-56484399-T-G.
Other names: c.4830+4929A>C (NM_001144769.5); c.4929+4929A>C (NM_001374722.1, NM_001374736.1); c.4956+4929A>C (NM_001374734.1); c.4416+4929A>C (NM_001144770.2); c.4296+4929A>C (NM_001374730.1, NM_001386100.1, NM_183380.4 and 1 more transcripts); c.3318+4929A>C (NM_015548.5); short protein forms H1478P.
Identifiers: ClinVar variation 1041019 (VCV001041019.6), dbSNP rs147498980, ClinGen allele CA3870529.

ClinVar aggregate classification (germline): Uncertain significance (1 of 4 stars; one submission).

Conditions:
Epidermolysis bullosa simplex 3, localized or generalized intermediate, with BP230 deficiency (EBS3). Also called: Epidermolysis bullosa simplex, autosomal recessive 2; Epidermolysis bullosa simplex due to BP230 deficiency. Identifiers: Orphanet 412181, MedGen C3809470, MONDO:0014180, OMIM 615425.
Hereditary sensory and autonomic neuropathy type 6. Also called: Neuropathy, hereditary sensory and autonomic, type VI; HSAN VI. Identifiers: Orphanet 314381, MedGen C3539003, MONDO:0013839, OMIM 614653.

Allele frequency attached by ClinVar (database versions not stated): TOPMed 0.00002; ExAC 0.00005; ESP Exome Variant Server 0.00015.
gnomAD v4.1: 31 of 1,613,920 alleles (0.0019%); highest among the groups gnomAD compares: Admixed American, 0.0067%; no homozygotes.

Submission:

Labcorp Genetics (formerly Invitae), Labcorp
Classification: Uncertain significance for Epidermolysis bullosa simplex 3, localized or generalized intermediate, with BP230 deficiency; Hereditary sensory and autonomic neuropathy type 6. Last evaluated: 2022-09-03. Review status: criteria provided, single submitter. Criteria: Invitae Variant Classification Sherloc (09022015). Collection method: clinical testing. Allele origin: germline.
Comment: This sequence change replaces histidine, which is basic and polar, with proline, which is neutral and non-polar, at codon 1478 of the DST protein (p.His1478Pro). This variant is present in population databases (rs147498980, gnomAD 0.1%). This variant has not been reported in the literature in individuals affected with DST-related conditions. ClinVar contains an entry for this variant (Variation ID: 1041019). Algorithms developed to predict the effect of missense changes on protein structure and function (SIFT, PolyPhen-2, Align-GVGD) all suggest that this variant is likely to be tolerated. In summary, the available evidence is currently insufficient to determine the role of this variant in disease. Therefore, it has been classified as a Variant of Uncertain Significance.